The following is an entry in ClinVar:

ClinVar aggregate classification (germline): Likely benign. Review status: criteria provided, multiple submitters, no conflicts (2 of 4 stars). 4 submissions from 4 submitters: Likely benign (4). Last evaluated 2026-01-19.

Conditions:
Malignant hyperthermia, susceptibility to, 1 (MHS1). Also called: RYR1-Related Malignant Hyperthermia Susceptibility; Anesthesia related hyperthermia; Malignant hyperpyrexia; Fulminating hyperpyrexia; Pharmacogenic myopathy; Malignant hyperthermia suceptibility 1. Identifiers: Orphanet 423, MedGen C2930980, MONDO:0007783, OMIM 145600.
RYR1-related disorder. Also called: RYR1-related disorders; RYR1-related condition. Identifiers: MedGen CN239331.

Allele frequency attached by ClinVar (database versions not stated): TOPMed 0.00002; gnomAD 0.00003 and 0.00004; gnomAD exomes 0.00004; ExAC 0.00005; ESP Exome Variant Server 0.00008.
gnomAD v4.1: 64 of 1,613,576 alleles (0.004%); highest among the groups gnomAD compares: Non-Finnish European, 0.0051%; no homozygotes.

Submissions (4):

Labcorp Genetics (formerly Invitae), Labcorp
Classification: Likely benign for RYR1-related disorder. Last evaluated: 2026-01-19. Review status: criteria provided, single submitter. Criteria: Invitae Variant Classification Sherloc (09022015). Collection method: clinical testing. Allele origin: germline.

All of Us Research Program, National Institutes of Health
Classification: Likely benign for Malignant hyperthermia, susceptibility to, 1. Last evaluated: 2023-12-13. Review status: criteria provided, single submitter. Criteria: ACMG Guidelines, 2015. Collection method: clinical testing. Allele origin: germline. Inheritance: Autosomal dominant inheritance. Observed: 8 variant alleles, 8 heterozygotes.
Comment: This study involves interpretation of variants in research participants for the purpose of population health screening. Participant phenotype was not available at the time of variant classification. Additional details can be found in publication PMID: 35346344, PMCID: PMC8962531

Color Diagnostics, LLC DBA Color Health
Classification: Likely benign for Malignant hyperthermia, susceptibility to, 1. Last evaluated: 2022-11-06. Review status: criteria provided, single submitter. Criteria: ACMG Guidelines, 2015. Collection method: clinical testing. Allele origin: germline.

Athena Diagnostics
Classification: Likely benign. Last evaluated: 2017-12-06. Review status: criteria provided, single submitter. Criteria: Athena Diagnostics Criteria. Collection method: clinical testing. Allele origin: germline.

NM_000540.3(RYR1):c.879C>T (p.Thr293=)

Gene: RYR1 (ryanodine receptor 1; plus strand). Cytogenetic location: 19q13.2.
Variant type: single nucleotide variant.
Coding change: c.879C>T on transcript NM_000540.3 (MANE Select); coding-DNA position 879, C replaced by T.
Protein change: p.Thr293=; no amino-acid change (threonine 293 retained).
Molecular consequence: synonymous variant.
Genome position (GRCh38, 1-based): chr19:38,448,433, C>T. VCF-style: chr19-38448433-C-T. GRCh37 (hg19) VCF-style: chr19-38939073-C-T.
Other names: c.879C>T, p.Thr293= (NM_001042723.2).
Identifiers: ClinVar variation 586414 (VCV000586414.11), dbSNP rs371599963, ClinGen allele CA072710.